The following is an entry in ClinVar:

NM_001039958.2(MESP2):c.924+4T>A

Gene: MESP2 (mesoderm posterior bHLH transcription factor 2; plus strand). Cytogenetic location: 15q26.1.
Variant type: single nucleotide variant.
Coding change: c.924+4T>A on transcript NM_001039958.2 (MANE Select); 4 bases into the intron after coding-DNA position 924, T replaced by A.
Molecular consequence: intron variant.
Genome position (GRCh38, 1-based): chr15:89,777,285, T>A. VCF-style: chr15-89777285-T-A. GRCh37 (hg19) VCF-style: chr15-90320516-T-A.
Identifiers: ClinVar variation 1981687 (VCV001981687.4), dbSNP rs919901592, ClinGen allele CA274596923.

ClinVar aggregate classification (germline): Uncertain significance (1 of 4 stars; one submission).

Allele frequency attached by ClinVar (database versions not stated): gnomAD 0.00001.
gnomAD v4.1: 27 of 1,609,888 alleles (0.0017%); highest among the groups gnomAD compares: Non-Finnish European, 0.0022%; no homozygotes.

Submission:

Labcorp Genetics (formerly Invitae), Labcorp
Classification: Uncertain significance. Last evaluated: 2022-03-09. Review status: criteria provided, single submitter. Criteria: Invitae Variant Classification Sherloc (09022015). Collection method: clinical testing. Allele origin: germline.
Comment: This variant is not present in population databases (gnomAD no frequency). This variant has not been reported in the literature in individuals affected with MESP2-related conditions. Variants that disrupt the consensus splice site are a relatively common cause of aberrant splicing (PMID: 17576681, 9536098). Algorithms developed to predict the effect of sequence changes on RNA splicing suggest that this variant is not likely to affect RNA splicing. In summary, the available evidence is currently insufficient to determine the role of this variant in disease. Therefore, it has been classified as a Variant of Uncertain Significance. This sequence change falls in intron 1 of the MESP2 gene. It does not directly change the encoded amino acid sequence of the MESP2 protein. It affects a nucleotide within the consensus splice site.

Literature cited by the submitters: PubMed 17576681; PubMed 9536098.